The following is an entry in ClinVar:

NM_000548.5(TSC2):c.775-11G>A

Gene: TSC2 (TSC complex subunit 2; plus strand). Cytogenetic location: 16p13.3.
Variant type: single nucleotide variant.
Coding change: c.775-11G>A on transcript NM_000548.5 (MANE Select); 11 bases into the intron before coding-DNA position 775, G replaced by A.
Molecular consequence: intron variant.
Genome position (GRCh38, 1-based): chr16:2,057,094, G>A. VCF-style: chr16-2057094-G-A. GRCh37 (hg19) VCF-style: chr16-2107095-G-A.
Other names: c.775-11G>A (NM_001114382.3, NM_021055.3, NM_001370405.1 and 3 more transcripts); c.664-11G>A (NM_001318827.2); c.175-11G>A (NM_001318831.2); c.628-11G>A (NM_001318829.2); c.808-11G>A (NM_001318832.2).
Identifiers: ClinVar variation 2186765 (VCV002186765.5), dbSNP rs2548472058, ClinGen allele CA2580090584.

ClinVar aggregate classification (germline): Likely benign. Review status: criteria provided, multiple submitters, no conflicts (2 of 4 stars). 2 submissions from 2 submitters: Likely benign (2). Last evaluated 2025-05-09.

Conditions:
Tuberous sclerosis 2 (TSC2). Identifiers: Orphanet 805, MedGen C1860707, MONDO:0013199, OMIM 613254.

gnomAD v4.1: 1 of 1,551,210 alleles (0.000064%); no homozygotes.

Submissions (2):

Myriad Genetics, Inc.
Classification: Likely benign for Tuberous sclerosis 2. Last evaluated: 2025-05-09. Review status: criteria provided, single submitter. Criteria: Myriad Autosomal Dominant, Autosomal Recessive and X-Linked Classification Criteria (2023). Collection method: clinical testing. Allele origin: unknown.
Comment: This variant is considered likely benign. This variant is intronic and is not expected to impact mRNA splicing.

Labcorp Genetics (formerly Invitae), Labcorp
Classification: Likely benign for Tuberous sclerosis 2. Last evaluated: 2024-02-11. Review status: criteria provided, single submitter. Criteria: Invitae Variant Classification Sherloc (09022015). Collection method: clinical testing. Allele origin: germline.